The following is an entry in ClinVar:

ClinVar aggregate classification (germline): Uncertain significance. Review status: criteria provided, multiple submitters, no conflicts (2 of 4 stars). 2 submissions from 2 submitters: Uncertain significance (2). Last evaluated 2024-03-04.

Allele frequency attached by ClinVar (database versions not stated): gnomAD exomes below 0.00001; TOPMed below 0.00001; gnomAD 0.00001.
gnomAD v4.1: 3 of 1,612,958 alleles (0.00019%); highest among the groups gnomAD compares: Non-Finnish European, 0.00025%; no homozygotes.

Submissions (2):

Labcorp Genetics (formerly Invitae), Labcorp
Classification: Uncertain significance. Last evaluated: 2024-03-04. Review status: criteria provided, single submitter. Criteria: Invitae Variant Classification Sherloc (09022015). Collection method: clinical testing. Allele origin: germline.
Comment: This sequence change replaces proline, which is neutral and non-polar, with serine, which is neutral and polar, at codon 1628 of the DCHS1 protein (p.Pro1628Ser). This variant is not present in population databases (gnomAD no frequency). This variant has not been reported in the literature in individuals affected with DCHS1-related conditions. ClinVar contains an entry for this variant (Variation ID: 1416230). Advanced modeling of protein sequence and biophysical properties (such as structural, functional, and spatial information, amino acid conservation, physicochemical variation, residue mobility, and thermodynamic stability) performed at Invitae indicates that this missense variant is not expected to disrupt DCHS1 protein function with a negative predictive value of 80%. In summary, the available evidence is currently insufficient to determine the role of this variant in disease. Therefore, it has been classified as a Variant of Uncertain Significance.

CeGaT Center for Human Genetics Tuebingen
Classification: Uncertain significance. Last evaluated: 2022-10-01. Review status: criteria provided, single submitter. Criteria: CeGaT Center For Human Genetics Tuebingen Variant Classification Criteria Version 2. Collection method: clinical testing. Allele origin: germline. Affected: yes. Observed: 1 variant allele.
Comment: DCHS1: PM2, BP4

NM_003737.4(DCHS1):c.4882C>T (p.Pro1628Ser)

Gene: DCHS1 (dachsous cadherin-related 1; minus strand). Cytogenetic location: 11p15.4.
Variant type: single nucleotide variant.
Coding change: c.4882C>T on transcript NM_003737.4 (MANE Select); coding-DNA position 4882, C replaced by T.
Protein change: p.Pro1628Ser; replaces proline 1628 with serine.
Molecular consequence: missense variant.
Genome position (GRCh38, 1-based): chr11:6,629,825, G>A on the plus strand (C>T on the coding strand, the complement: DCHS1 is on the minus strand). VCF-style: chr11-6629825-G-A. GRCh37 (hg19) VCF-style: chr11-6651056-G-A.
Other names: short protein forms P1628S.
Identifiers: ClinVar variation 1416230 (VCV001416230.29), dbSNP rs1855870859, ClinGen allele CA379398702.
Genomic context (GRCh38, chr11:6,629,825, plus strand): 5'-TAGGCGCCTCGTCGTTGACGTCAGCGACACTGACGGTCAGGACCTGCGTGGCCGAGCGCG[G>A]CGGGGAGCCGTGGTCTGAGGCCACCACTGTCAGTACGTGCTCAGCTCGTTGTTCGCGGTC-3'
Protein context (NP_003728.1, residues 1618-1638): TVVASDHGSP[Pro1628Ser]RSATQVLTVS